The following is an entry in ClinVar:

NM_001029883.3(PCARE):c.2063G>T (p.Cys688Phe)

Gene: PCARE (photoreceptor cilium actin regulator; minus strand). Cytogenetic location: 2p23.2.
Variant type: single nucleotide variant.
Coding change: c.2063G>T on transcript NM_001029883.3 (MANE Select); coding-DNA position 2063, G replaced by T.
Protein change: p.Cys688Phe; replaces cysteine 688 with phenylalanine.
Molecular consequence: missense variant.
Genome position (GRCh38, 1-based): chr2:29,072,199, C>A on the plus strand (G>T on the coding strand, the complement: PCARE is on the minus strand). VCF-style: chr2-29072199-C-A. GRCh37 (hg19) VCF-style: chr2-29295065-C-A.
Other names: short protein forms C688F.
Identifiers: ClinVar variation 1515517 (VCV001515517.8), dbSNP rs149601594, ClinGen allele CA346478322.

ClinVar aggregate classification (germline): Uncertain significance (1 of 4 stars; one submission).

Submission:

Labcorp Genetics (formerly Invitae), Labcorp
Classification: Uncertain significance. Last evaluated: 2020-11-18. Review status: criteria provided, single submitter. Criteria: Invitae Variant Classification Sherloc (09022015). Collection method: clinical testing. Allele origin: germline.
Comment: Algorithms developed to predict the effect of missense changes on protein structure and function are either unavailable or do not agree on the potential impact of this missense change (SIFT: "Tolerated"; PolyPhen-2: "Possibly Damaging"; Align-GVGD: "Class C0"). In summary, the available evidence is currently insufficient to determine the role of this variant in disease. Therefore, it has been classified as a Variant of Uncertain Significance. This variant has not been reported in the literature in individuals with PCARE-related conditions. This variant is not present in population databases (ExAC no frequency). This sequence change replaces cysteine with phenylalanine at codon 688 of the PCARE protein (p.Cys688Phe). The cysteine residue is moderately conserved and there is a large physicochemical difference between cysteine and phenylalanine.